The following is an entry in ClinVar:

ClinVar aggregate classification (germline): Uncertain significance. Review status: criteria provided, multiple submitters, no conflicts (2 of 4 stars). 2 submissions from 2 submitters: Uncertain significance (2). Last evaluated 2022-08-31.

Conditions:
Adenylosuccinate lyase deficiency (ADSLD). Also called: ADSL DEFICIENCY. Identifiers: Orphanet 46, MedGen C0268126, MONDO:0007068, OMIM 103050.

Allele frequency attached by ClinVar (database versions not stated): gnomAD exomes 0.00001; ExAC 0.00002; TOPMed 0.00002.

Submissions (2):

Labcorp Genetics (formerly Invitae), Labcorp
Classification: Uncertain significance for Adenylosuccinate lyase deficiency. Last evaluated: 2022-08-31. Review status: criteria provided, single submitter. Criteria: Invitae Variant Classification Sherloc (09022015). Collection method: clinical testing. Allele origin: germline.
Comment: This sequence change replaces methionine, which is neutral and non-polar, with isoleucine, which is neutral and non-polar, at codon 389 of the ADSL protein (p.Met389Ile). This variant is present in population databases (rs766782678, gnomAD 0.006%). This variant has not been reported in the literature in individuals affected with ADSL-related conditions. ClinVar contains an entry for this variant (Variation ID: 373693). Algorithms developed to predict the effect of missense changes on protein structure and function are either unavailable or do not agree on the potential impact of this missense change (SIFT: "Deleterious"; PolyPhen-2: "Benign"; Align-GVGD: "Class C0"). Algorithms developed to predict the effect of sequence changes on RNA splicing suggest that this variant may create or strengthen a splice site. In summary, the available evidence is currently insufficient to determine the role of this variant in disease. Therefore, it has been classified as a Variant of Uncertain Significance.

GeneDx
Classification: Uncertain significance. Last evaluated: 2016-12-05. Review status: criteria provided, single submitter. Criteria: GeneDx Variant Classification (06012015). Collection method: clinical testing. Allele origin: germline. Affected: yes.
Comment: A variant of uncertain significance has been identified in the ADSL gene. The M389I variant has not been published as a pathogenic variant, nor has it been reported as a benign variant to our knowledge. The M389I variant is not observed at a significant frequency in large population cohorts (Lek et al., 2016; 1000 Genomes Consortium et al., 2015; Exome Variant Server). The M389I variant is a conservative amino acid substitution, which is not likely to impact secondary protein structure as these residues share similar properties. This substitution occurs at a position where amino acids with similar properties to Methionine are tolerated across species. However, in silico analysis predicts this variant is probably damaging to the protein structure/function. Therefore, based on the currently available information, it is unclear whether this variant is a pathogenic variant or a rare benign variant.

NM_000026.4(ADSL):c.1167G>A (p.Met389Ile)

Gene: ADSL (adenylosuccinate lyase; plus strand). Cytogenetic location: 22q13.1.
Variant type: single nucleotide variant.
Coding change: c.1167G>A on transcript NM_000026.4 (MANE Select); coding-DNA position 1167, G replaced by A.
Protein change: p.Met389Ile; replaces methionine 389 with isoleucine.
Molecular consequence: missense variant. On other transcripts: non-coding transcript variant (1).
Genome position (GRCh38, 1-based): chr22:40,364,341, G>A. VCF-style: chr22-40364341-G-A. GRCh37 (hg19) VCF-style: chr22-40760345-G-A.
Other names: c.1167G>A, p.Met389Ile (NM_001123378.3, NM_001363840.3); c.975G>A, p.Met325Ile (NM_001317923.2); short protein forms M389I, M325I.
Identifiers: ClinVar variation 373693 (VCV000373693.7), dbSNP rs766782678, ClinGen allele CA10247936.